The following is an entry in ClinVar:

ClinVar aggregate classification (germline): Likely benign (1 of 4 stars; one submission).

Conditions:
Leigh syndrome (NULS). Also called: Leigh's necrotizing encephalopathy; Leigh's disease; Leigh's syndrome; LEIGH SYNDROME, NUCLEAR; Leigh Syndrome (mtDNA deletion); Leigh Disease. Identifiers: Orphanet 506, MedGen C2931891, MONDO:0009723, OMIM 256000.

Submission:

Wong Mito Lab, Molecular and Human Genetics, Baylor College of Medicine
Classification: Likely benign for Leigh syndrome. Last evaluated: 2019-10-17. Review status: criteria provided, single submitter. Criteria: Modified ACMG Guidelines (Unpublished). Collection method: clinical testing. Allele origin: germline.
Comment: The NC_012920.1:m.13762T>A (YP_003024036.1:p.Ser476Thr) variant in MTND5 gene is interpretated to be a Likely Benign variant based on the modified ACMG guidelines (unpublished). This variant meets the following evidence codes: BS4, BP4

Literature cited by the submitters: PubMed 22780954.

NC_012920.1(MT-ND5):m.13762T>A

Gene: MT-ND5 (mitochondrially encoded NADH dehydrogenase 5; plus strand).
Variant type: single nucleotide variant.
Genome position: chrM-13762-T-A.
Identifiers: ClinVar variation 693602 (VCV000693602.1), dbSNP rs879154715, ClinGen allele CA414819408.